The following is an entry in ClinVar:

ClinVar aggregate classification (germline): Pathogenic. Review status: criteria provided, multiple submitters, no conflicts (2 of 4 stars). 2 submissions from 2 submitters: Pathogenic (2). Last evaluated 2024-08-18.

Conditions:
Autosomal dominant Robinow syndrome 2. Identifiers: Orphanet 3107, Orphanet 97360, MedGen C4225363, MONDO:0014591, OMIM 616331.

Submissions (2):

GeneDx
Classification: Pathogenic. Last evaluated: 2024-08-18. Review status: criteria provided, single submitter. Criteria: GeneDx Variant Classification Process June 2021. Collection method: clinical testing. Allele origin: germline. Affected: yes.
Comment: Frameshift variant predicted to result in abnormal protein length as the last 129 amino acids are replaced with 106 different amino acids, and other similar variants have been reported in HGMD; Not observed at significant frequency in large population cohorts (gnomAD); This variant is associated with the following publications: (PMID: 37010288, 35137569)

3billion
Classification: Pathogenic for Autosomal dominant Robinow syndrome 2. Last evaluated: 2024-06-14. Review status: criteria provided, single submitter. Criteria: ACMG Guidelines, 2015. Collection method: clinical testing. Allele origin: germline. Affected: yes.
Comment: The variant is not observed in the gnomAD v4.0.0 dataset. Predicted Consequence/Location: Frameshift: predicted to result in a loss or disruption of normal protein function through protein truncation. The predicted truncated protein may be shortened by more than 10%. The variant has been previously reported as de novo in a similarly affected individual (N/A). The variant has been reported to be associated with DVL1-related disorder (PMID: 35137569). Therefore, this variant is classified as Pathogenic according to the recommendation of ACMG/AMP guideline.

Literature cited by the submitters: PubMed 35137569 (cited by 3billion).

NM_001330311.2(DVL1):c.1695del (p.Ser567fs)

Genes: DVL1 (dishevelled segment polarity protein 1; minus strand), LOC129929114 (ATAC-STARR-seq lymphoblastoid silent region 61; plus strand). Cytogenetic location: 1p36.33.
Variant type: Deletion.
Coding change: c.1695del on transcript NM_001330311.2 (MANE Select); coding-DNA position 1695, one base deleted (C; older notation c.1695delC).
Protein change: p.Ser567fs; shifts the reading frame from serine 567.
Molecular consequence: frameshift variant.
Genome position (GRCh38, 1-based): chr1:1,337,996, G deleted on the plus strand (C on the coding strand, the reverse complement: DVL1 is on the minus strand); the first of 2 consecutive G bases (chr1:1,337,996-1,337,997); deleting either gives the same sequence. VCF-style (leftmost placement, unchanged base first): chr1-1337995-CG-C. GRCh37 (hg19) VCF-style: chr1-1273375-CG-C.
Other names: c.1620del, p.Ser542fs (NM_004421.3); short protein forms S542fs, S567fs.
Identifiers: ClinVar variation 3764194 (VCV003764194.2).